The following is an entry in ClinVar:

ClinVar aggregate classification (germline): Conflicting classifications of pathogenicity. Review status: criteria provided, conflicting classifications (1 of 4 stars). 5 submissions from 5 submitters: Uncertain significance (2); Likely benign (3). Last evaluated 2026-09-01.

Conditions:
Hereditary cancer-predisposing syndrome. Also called: Hereditary Cancer Syndrome; Neoplastic Syndromes, Hereditary; Tumor predisposition; Hereditary neoplastic syndrome. Identifiers: Orphanet 140162, MedGen C0027672, MeSH D009386, MONDO:0015356.

Allele frequency attached by ClinVar (database versions not stated): gnomAD exomes 0.00079; gnomAD 0.00089 and 0.00095.

Submissions (5):

CeGaT Center for Human Genetics Tuebingen
Classification: Likely benign. Last evaluated: 2026-09-01. Review status: criteria provided, single submitter. Criteria: CeGaT Center For Human Genetics Tuebingen Variant Classification Criteria Version 2. Collection method: clinical testing. Allele origin: germline. Affected: yes. Observed: 14 variant alleles.
Comment: SMAD4: BS1

Blueprint Genetics
Classification: Likely benign. Last evaluated: 2024-11-21. Review status: criteria provided, single submitter. Criteria: ACMG Guidelines, 2015. Collection method: clinical testing. Allele origin: germline.

Sema4
Classification: Uncertain significance for Hereditary cancer-predisposing syndrome. Last evaluated: 2021-05-18. Review status: criteria provided, single submitter. Criteria: Sema4 Curation Guidelines. Collection method: curation. Allele origin: germline.
Comment: The SMAD4 c.787+1_788-1del variant has not been reported in the literature to our knowledge. This variant deletes entire intronic sequence of the intron 6 and is not predicted to change the exonic sequence. It was observed in 8/25092 chromosomes of the Finnish subpopulation in the large and broad cohorts of the Genome Aggregation Database (PMID: 32461654). The variant has been reported in ClinVar (Variation ID 919421). The evidence is insufficient to meet ACMG/AMP criteria for classifying the variant as benign or pathogenic. Thus, the clinical significance of this variant is currently uncertain.

GeneDx
Classification: Uncertain significance. Last evaluated: 2020-08-21. Review status: criteria provided, single submitter. Criteria: GeneDx Variant Classification Process June 2021. Collection method: clinical testing. Allele origin: germline. Affected: yes.
Comment: Has not been previously published as pathogenic or benign to our knowledge

Color Diagnostics, LLC DBA Color Health
Classification: Likely benign for Hereditary cancer-predisposing syndrome. Last evaluated: 2015-06-10. Review status: criteria provided, single submitter. Criteria: ACMG Guidelines, 2015. Collection method: clinical testing. Allele origin: germline.

NM_005359.6(SMAD4):c.787+1_788-1del

Gene: SMAD4 (SMAD family member 4; plus strand). Cytogenetic location: 18q21.2.
Variant type: Deletion.
Coding change: c.787+1_788-1del on transcript NM_005359.6 (MANE Select); the canonical splice donor site of the intron after coding-DNA position 787 through the canonical splice acceptor site of the intron before coding-DNA position 788, 95 bases deleted.
Molecular consequence: splice acceptor variant, splice donor variant.
Genome position (GRCh38, 1-based): chr18:51,058,245-51,058,339, 95 bases deleted. GRCh37 (hg19): chr18:48,584,615-48,584,709.
Identifiers: ClinVar variation 919421 (VCV000919421.25), dbSNP rs1599189646, ClinGen allele CA8965897.